The following is an entry in ClinVar:

NM_000368.5(TSC1):c.1814ATC[1] (p.His606del)

Gene: TSC1 (TSC complex subunit 1; minus strand). Cytogenetic location: 9q34.13.
Variant type: Microsatellite.
Coding change: c.1814ATC[1] on transcript NM_000368.5 (MANE Select); one copy of the 3-base unit ATC starting at c.1814; the reference has two copies in a row; one copy, 3 bases deleted.
Protein change: p.His606del; deletes histidine 606.
Molecular consequence: inframe deletion. On other transcripts: inframe indel (2), non-coding transcript variant (5).
Genome position (GRCh38, 1-based): chr9:132,905,759-132,905,761, GAT deleted on the plus strand (ATC on the coding strand, the reverse complement: TSC1 is on the minus strand); deleting any 3 consecutive bases within chr9:132,905,759-132,905,764 gives the same sequence; the position shown is the placement nearest the transcript's 3' end. VCF-style (leftmost placement, unchanged base first): chr9-132905758-AGAT-A. GRCh37 (hg19) VCF-style: chr9-135781145-AGAT-A.
Other names: c.1814_1816ATC[1], p.His606del (NM_000368.4); c.1811ATC[1], p.His605del (NM_001162426.2, NM_001406597.1, NM_001406598.1 and 6 more transcripts); c.1661ATC[1], p.His555del (NM_001162427.2, NM_001406610.1); c.1451ATC[1], p.His485del (NM_001362177.2, NM_001406614.1, NM_001406615.1 and 5 more transcripts); c.1814ATC[1], p.His606del (NM_001406592.1, NM_001406593.1, NM_001406594.1 and 7 more transcripts); c.1658ATC[1], p.His554del (NM_001406611.1, NM_001406612.1, NM_001406613.1); c.1448ATC[1], p.His484del (NM_001406620.1, NM_001406621.1, NM_001406622.1 and 2 more transcripts); c.863ATC[1], p.His289del (NM_001406626.1); and 3 more; short protein forms H289del, H288del, H485del, H554del, H555del, H484del, H255del, H605del.
Identifiers: ClinVar variation 3811246 (VCV003811246.1).

ClinVar aggregate classification (germline): Uncertain significance (1 of 4 stars; one submission).

Conditions:
Hereditary cancer-predisposing syndrome. Also called: Neoplastic Syndromes, Hereditary; Hereditary Cancer Syndrome; Tumor predisposition; Hereditary neoplastic syndrome. Identifiers: Orphanet 140162, MedGen C0027672, MeSH D009386, MONDO:0015356.

Submission:

Ambry Genetics
Classification: Uncertain significance for Hereditary cancer-predisposing syndrome. Last evaluated: 2025-01-20. Review status: criteria provided, single submitter. Criteria: Ambry Variant Classification Scheme 2023. Collection method: clinical testing. Allele origin: germline.
Comment: The c.1817_1819delATC variant (also known as p.H606del) is located in coding exon 13 of the TSC1 gene. This variant results from an in-frame ATC deletion at nucleotide positions 1817 to 1819. This results in the in-frame deletion of a histidine at codon 606. This amino acid position is well conserved in available vertebrate species. In addition, this alteration is predicted to be deleterious by in silico analysis (Choi Y et al. PLoS ONE. 2012; 7(10):e46688). Based on the available evidence, the clinical significance of this variant remains unclear.